The following is an entry in ClinVar:

NM_004281.4(BAG3):c.258C>A (p.Tyr86Ter)

Gene: BAG3 (BAG cochaperone 3; plus strand). Cytogenetic location: 10q26.11.
Variant type: single nucleotide variant.
Coding change: c.258C>A on transcript NM_004281.4 (MANE Select); coding-DNA position 258, C replaced by A.
Protein change: p.Tyr86Ter; replaces tyrosine 86 with a stop codon.
Molecular consequence: nonsense.
Genome position (GRCh38, 1-based): chr10:119,669,928, C>A. VCF-style: chr10-119669928-C-A. GRCh37 (hg19) VCF-style: chr10-121429440-C-A.
Other names: short protein forms Y86*.
Identifiers: ClinVar variation 2580402 (VCV002580402.5), dbSNP rs1554876999, ClinGen allele CA378294738.
Genomic context (GRCh38, chr10:119,669,928, plus strand): 5'-CAATGGCCCTTCCCGGGAGGGCTCTAGGCTGCCGCCTGCTAGGGAAGGCCACCCTGTGTA[C>A]CCCCAGCTCCGACCAGGCTACATTCCCATTCCTGTGCTCCATGAAGGCGCTGAGAACCGG-3'

ClinVar aggregate classification (germline): Pathogenic. Review status: criteria provided, multiple submitters, no conflicts (2 of 4 stars). 2 submissions from 2 submitters: Pathogenic (2). Last evaluated 2026-05-29.

Conditions:
Myofibrillar myopathy 6. Identifiers: Orphanet 199340, MedGen C2751831, MONDO:0013061, OMIM 612954.
Dilated cardiomyopathy 1HH (CMD1HH). Identifiers: Orphanet 154, MedGen C3151293, MONDO:0013479, OMIM 613881.

Submissions (2):

GeneDx
Classification: Pathogenic. Last evaluated: 2026-05-29. Review status: criteria provided, single submitter. Criteria: GeneDx Variant Classification Process June 2021. Collection method: clinical testing. Allele origin: germline.
Comment: Nonsense variant predicted to result in protein truncation or nonsense mediated decay in a gene for which loss of function is a known mechanism of disease; Not observed at significant frequency in large population cohorts (gnomAD); Has not been previously published as pathogenic or benign to our knowledge

Labcorp Genetics (formerly Invitae), Labcorp
Classification: Pathogenic for Dilated cardiomyopathy 1HH; Myofibrillar myopathy 6. Last evaluated: 2025-01-06. Review status: criteria provided, single submitter. Criteria: Invitae Variant Classification Sherloc (09022015). Collection method: clinical testing. Allele origin: germline.
Comment: This sequence change creates a premature translational stop signal (p.Tyr86*) in the BAG3 gene. It is expected to result in an absent or disrupted protein product. Loss-of-function variants in BAG3 are known to be pathogenic (PMID: 21353195, 25008357). This variant is not present in population databases (gnomAD no frequency). This variant has not been reported in the literature in individuals affected with BAG3-related conditions. ClinVar contains an entry for this variant (Variation ID: 2580402). For these reasons, this variant has been classified as Pathogenic.

Literature cited by the submitters: PubMed 21353195 (cited by Labcorp Genetics (formerly Invitae), Labcorp); PubMed 25008357 (cited by Labcorp Genetics (formerly Invitae), Labcorp).